The following is an entry in ClinVar:

NM_020706.2(SCAF4):c.343A>C (p.Asn115His)

Gene: SCAF4 (SR-related CTD associated factor 4; minus strand). Cytogenetic location: 21q22.11.
Variant type: single nucleotide variant.
Coding change: c.343A>C on transcript NM_020706.2 (MANE Select); coding-DNA position 343, A replaced by C.
Protein change: p.Asn115His; replaces asparagine 115 with histidine.
Molecular consequence: missense variant.
Genome position (GRCh38, 1-based): chr21:31,702,358, T>G on the plus strand (A>C on the coding strand, the complement: SCAF4 is on the minus strand). VCF-style: chr21-31702358-T-G. GRCh37 (hg19) VCF-style: chr21-33074671-T-G.
Other names: c.298A>C, p.Asn100His (NM_001145444.1); c.343A>C, p.Asn115His (NM_001145445.1); short protein forms N100H, N115H.
Identifiers: ClinVar variation 3381332 (VCV003381332.2).

ClinVar aggregate classification (germline): Uncertain significance (1 of 4 stars; one submission).

gnomAD v4.1: 1 of 1,614,032 alleles (0.000062%); highest among the groups gnomAD compares: Admixed American, 0.0017%; no homozygotes.

Submission:

GeneDx
Classification: Uncertain significance. Last evaluated: 2025-01-22. Review status: criteria provided, single submitter. Criteria: GeneDx Variant Classification Process June 2021. Collection method: clinical testing. Allele origin: germline.
Comment: In silico analysis supports that this missense variant has a deleterious effect on protein structure/function; Has not been previously published as pathogenic or benign to our knowledge